The following is an entry in ClinVar:

ClinVar aggregate classification (germline): Uncertain significance (1 of 4 stars; one submission).

Conditions:
Nemaline myopathy 6 (NEM6). Also called: Nemaline myopathy 6, autosomal dominant. Identifiers: Orphanet 171439, MedGen C1836472, MONDO:0012237, OMIM 609273.

Submission:

Labcorp Genetics (formerly Invitae), Labcorp
Classification: Uncertain significance for Nemaline myopathy 6. Last evaluated: 2021-07-08. Review status: criteria provided, single submitter. Criteria: Invitae Variant Classification Sherloc (09022015). Collection method: clinical testing. Allele origin: germline.
Comment: This sequence change replaces alanine with threonine at codon 159 of the KBTBD13 protein (p.Ala159Thr). The alanine residue is moderately conserved and there is a small physicochemical difference between alanine and threonine. The frequency data for this variant in the population databases is considered unreliable, as metrics indicate insufficient coverage at this position in the ExAC database. This variant has not been reported in the literature in individuals affected with KBTBD13-related conditions. Algorithms developed to predict the effect of missense changes on protein structure and function are either unavailable or do not agree on the potential impact of this missense change (SIFT: "Deleterious"; PolyPhen-2: "Probably Damaging"; Align-GVGD: "Class C0"). In summary, the available evidence is currently insufficient to determine the role of this variant in disease. Therefore, it has been classified as a Variant of Uncertain Significance.

NM_001101362.3(KBTBD13):c.475G>A (p.Ala159Thr)

Gene: KBTBD13 (kelch repeat and BTB domain containing 13; plus strand). Cytogenetic location: 15q22.31.
Variant type: single nucleotide variant.
Coding change: c.475G>A on transcript NM_001101362.3 (MANE Select); coding-DNA position 475, G replaced by A.
Protein change: p.Ala159Thr; replaces alanine 159 with threonine.
Molecular consequence: missense variant.
Genome position (GRCh38, 1-based): chr15:65,077,290, G>A. VCF-style: chr15-65077290-G-A. GRCh37 (hg19) VCF-style: chr15-65369628-G-A.
Other names: short protein forms A159T.
Identifiers: ClinVar variation 1417261 (VCV001417261.8), dbSNP rs2140544169, ClinGen allele CA392860983.